The following is an entry in ClinVar:

NM_004100.5(EYA4):c.1385G>T (p.Ser462Ile)

Genes: TARID (TCF21 antisense RNA inducing promoter demethylation; minus strand), EYA4 (EYA transcriptional coactivator and phosphatase 4; plus strand). Cytogenetic location: 6q23.2.
Variant type: single nucleotide variant.
Coding change: c.1385G>T on transcript NM_004100.5 (MANE Select); coding-DNA position 1385, G replaced by T.
Protein change: p.Ser462Ile; replaces serine 462 with isoleucine.
Molecular consequence: missense variant.
Genome position (GRCh38, 1-based): chr6:133,512,922, G>T. VCF-style: chr6-133512922-G-T. GRCh37 (hg19) VCF-style: chr6-133834060-G-T.
Other names: c.1223G>T, p.Ser408Ile (NM_001301012.2); c.1403G>T, p.Ser468Ile (NM_001301013.2); c.1316G>T, p.Ser439Ile (NM_001370458.1, NM_172103.4); c.1241G>T, p.Ser414Ile (NM_001370459.1); c.1385G>T, p.Ser462Ile (NM_172105.4); short protein forms S462I, S439I, S414I, S408I, S468I.
Identifiers: ClinVar variation 2126614 (VCV002126614.4), dbSNP rs2535339615, ClinGen allele CA365715070.

ClinVar aggregate classification (germline): Uncertain significance (1 of 4 stars; one submission).

Conditions:
Dilated cardiomyopathy 1J (CMD1J). Also called: CARDIOMYOPATHY, DILATED, WITH SENSORINEURAL HEARING LOSS, AUTOSOMAL DOMINANT. Identifiers: Orphanet 217622, MedGen C1854368, MONDO:0011541, OMIM 605362.

Submission:

Labcorp Genetics (formerly Invitae), Labcorp
Classification: Uncertain significance for Dilated cardiomyopathy 1J. Last evaluated: 2022-04-15. Review status: criteria provided, single submitter. Criteria: Invitae Variant Classification Sherloc (09022015). Collection method: clinical testing. Allele origin: germline.
Comment: In summary, the available evidence is currently insufficient to determine the role of this variant in disease. Therefore, it has been classified as a Variant of Uncertain Significance. Algorithms developed to predict the effect of missense changes on protein structure and function are either unavailable or do not agree on the potential impact of this missense change (SIFT: "Tolerated"; PolyPhen-2: "Possibly Damaging"; Align-GVGD: "Class C0"). This variant has not been reported in the literature in individuals affected with EYA4-related conditions. This variant is not present in population databases (gnomAD no frequency). This sequence change replaces serine, which is neutral and polar, with isoleucine, which is neutral and non-polar, at codon 462 of the EYA4 protein (p.Ser462Ile).